The following is an entry in ClinVar:

NM_005989.4(AKR1D1):c.*362A>C

Gene: AKR1D1 (aldo-keto reductase family 1 member D1; plus strand). Cytogenetic location: 7q33.
Variant type: single nucleotide variant.
Coding change: c.*362A>C on transcript NM_005989.4 (MANE Select); 362 bases downstream of the stop codon, A replaced by C.
Molecular consequence: 3 prime UTR variant.
Genome position (GRCh38, 1-based): chr7:138,117,024, A>C. VCF-style: chr7-138117024-A-C. GRCh37 (hg19) VCF-style: chr7-137801770-A-C.
Other names: NC_000007.13:g.137801770A>C; c.*362A>C (NM_001190906.2); c.*387A>C (NM_001190907.2).
Identifiers: ClinVar variation 358962 (VCV000358962.7), dbSNP rs3735023, ClinGen allele CA10628303.

ClinVar aggregate classification (germline): Benign. Review status: criteria provided, multiple submitters, no conflicts (2 of 4 stars). 2 submissions from 2 submitters: Benign (2). Last evaluated 2018-01-13.

Conditions:
Congenital bile acid synthesis defect 2 (CBAS2). Also called: CHOLESTASIS WITH DELTA(4)-3-OXOSTEROID 5-BETA-REDUCTASE DEFICIENCY. Identifiers: Orphanet 79303, MedGen C1856127, MONDO:0009339, OMIM 235555.

Allele frequency attached by ClinVar (database versions not stated): gnomAD exomes 0.16320; TOPMed 0.17420; 1000 Genomes Project 30x 0.17630; gnomAD 0.17831 and 0.17843; 1000 Genomes Project 0.18171.

Submissions (3):

Illumina Laboratory Services, Illumina
Classification: Benign for Congenital bile acid synthesis defect 2. Last evaluated: 2018-01-13. Review status: criteria provided, single submitter. Criteria: ICSL Variant Classification Criteria 13 December 2019. Collection method: clinical testing. Allele origin: germline.
Comment: This variant was observed in the ICSL laboratory as part of a predisposition screen in an ostensibly healthy population. It had not been previously curated by ICSL or reported in the Human Gene Mutation Database (HGMD: prior to June 1st, 2018), and was therefore a candidate for classification through an automated scoring system. Utilizing variant allele frequency, disease prevalence and penetrance estimates, and inheritance mode, an automated score was calculated to assess if this variant is too frequent to cause the disease. Based on the score and internal cut-off values, a variant classified as benign is not then subjected to further curation. The score for this variant resulted in a classification of benign for this disease.

Breakthrough Genomics
Classification: Benign. Review status: criteria provided, single submitter. Criteria: ACMG Guidelines, 2015. Collection method: not provided. Allele origin: germline. Inheritance: Autosomal recessive inheritance. Affected: yes.

Dr. Peter K. Rogan Lab, Western University
No classification provided (evidence only). Condition: Familial cancer of breast. Review status: no classification provided. Collection method: in vitro. Allele origin: not applicable. Functional consequence: retained intron. Not counted in ClinVar's aggregate classification.